The following is an entry in ClinVar:

ClinVar aggregate classification (germline): Uncertain significance (1 of 4 stars; one submission).

gnomAD v4.1: 1 of 1,614,128 alleles (0.000062%); highest among the groups gnomAD compares: Non-Finnish European, 0.000085%; no homozygotes.

Submission:

Labcorp Genetics (formerly Invitae), Labcorp
Classification: Uncertain significance. Last evaluated: 2025-03-18. Review status: criteria provided, single submitter. Criteria: Invitae Variant Classification Sherloc (09022015). Collection method: clinical testing. Allele origin: germline.
Comment: This sequence change replaces glycine, which is neutral and non-polar, with serine, which is neutral and polar, at codon 1023 of the JAK1 protein (p.Gly1023Ser). This variant is present in population databases (no rsID available, gnomAD 0.0009%). This variant has not been reported in the literature in individuals affected with JAK1-related conditions. Invitae Evidence Modeling of protein sequence and biophysical properties (such as structural, functional, and spatial information, amino acid conservation, physicochemical variation, residue mobility, and thermodynamic stability) indicates that this missense variant is expected to disrupt JAK1 protein function with a positive predictive value of 80%. In summary, the available evidence is currently insufficient to determine the role of this variant in disease. Therefore, it has been classified as a Variant of Uncertain Significance.

NM_002227.4(JAK1):c.3067G>A (p.Gly1023Ser)

Gene: JAK1 (Janus kinase 1; minus strand). Cytogenetic location: 1p31.3.
Variant type: single nucleotide variant.
Coding change: c.3067G>A on transcript NM_002227.4 (MANE Select); coding-DNA position 3067, G replaced by A.
Protein change: p.Gly1023Ser; replaces glycine 1023 with serine.
Molecular consequence: missense variant.
Genome position (GRCh38, 1-based): chr1:64,838,005, C>T on the plus strand (G>A on the coding strand, the complement: JAK1 is on the minus strand). VCF-style: chr1-64838005-C-T. GRCh37 (hg19) VCF-style: chr1-65303688-C-T.
Other names: c.3067G>A, p.Gly1023Ser (NM_001320923.2, NM_001321852.2, NM_001321853.2 and 3 more transcripts); c.3064G>A, p.Gly1022Ser (NM_001321857.2); short protein forms G1022S, G1023S.
Identifiers: ClinVar variation 4769959 (VCV004769959.1).